The following is an entry in ClinVar:

ClinVar aggregate classification (germline): Likely benign (1 of 4 stars; one submission).

gnomAD v4.1: 112 of 1,612,044 alleles (0.0069%); highest among the groups gnomAD compares: African/African-American, 0.057%; no homozygotes.

Submission:

CeGaT Center for Human Genetics Tuebingen
Classification: Likely benign. Last evaluated: 2025-06-01. Review status: criteria provided, single submitter. Criteria: CeGaT Center For Human Genetics Tuebingen Variant Classification Criteria Version 2. Collection method: clinical testing. Allele origin: germline. Affected: yes. Observed: 1 variant allele.
Comment: SUPT16H: BP4, BP7

NM_007192.4(SUPT16H):c.2616C>T (p.Asn872=)

Gene: SUPT16H (SPT16 homolog, facilitates chromatin remodeling subunit; minus strand). Cytogenetic location: 14q11.2.
Variant type: single nucleotide variant.
Coding change: c.2616C>T on transcript NM_007192.4 (MANE Select); coding-DNA position 2616, C replaced by T.
Protein change: p.Asn872=; no amino-acid change (asparagine 872 retained).
Molecular consequence: synonymous variant.
Genome position (GRCh38, 1-based): chr14:21,357,241, G>A on the plus strand (C>T on the coding strand, the complement: SUPT16H is on the minus strand). VCF-style: chr14-21357241-G-A. GRCh37 (hg19) VCF-style: chr14-21825400-G-A.
Identifiers: ClinVar variation 4084011 (VCV004084011.8).